The following is an entry in ClinVar:

NM_000388.4(CASR):c.1189G>A (p.Gly397Arg)

Gene: CASR (calcium sensing receptor; plus strand). Cytogenetic location: 3q21.1.
Variant type: single nucleotide variant.
Coding change: c.1189G>A on transcript NM_000388.4 (MANE Select); coding-DNA position 1189, G replaced by A.
Protein change: p.Gly397Arg; replaces glycine 397 with arginine.
Molecular consequence: missense variant.
Genome position (GRCh38, 1-based): chr3:122,262,224, G>A. VCF-style: chr3-122262224-G-A. GRCh37 (hg19) VCF-style: chr3-121981071-G-A.
Other names: c.1189G>A, p.Gly397Arg (NM_001178065.2); short protein forms G397R.
Identifiers: ClinVar variation 420106 (VCV000420106.17), dbSNP rs1064794291, ClinGen allele CA16617817.

ClinVar aggregate classification (germline): Conflicting classifications of pathogenicity. Review status: criteria provided, conflicting classifications (1 of 4 stars). 5 submissions from 5 submitters: Pathogenic (1); Uncertain significance (3). 1 of the submissions does not count toward it. Last evaluated 2025-12-29.

Conditions:
Autosomal dominant hypocalcemia 1 (HYPOC1). Also called: HYPOCALCEMIA, FAMILIAL. Identifiers: MedGen C3715128, MONDO:0011013, OMIM 601198.
Familial hypocalciuric hypercalcemia (FHH). Also called: Familial benign hypercalcemia. Identifiers: Orphanet 405, MedGen C1809471, MONDO:0018458.
Familial hypocalciuric hypercalcemia 1. Also called: Hypercalcemia, familial benign type 1. Identifiers: Orphanet 405, Orphanet 93372, MedGen C0342637, MONDO:0007791, OMIM 145980.
Neonatal severe primary hyperparathyroidism. Identifiers: Orphanet 417, MedGen C1832615, MONDO:0009397, OMIM 239200.
Epilepsy, idiopathic generalized, susceptibility to, 8. Identifiers: MedGen C2752062, MONDO:0013032, OMIM 612899.

Allele frequency attached by ClinVar (database versions not stated): gnomAD exomes below 0.00001; gnomAD 0.00001.
gnomAD v4.1: 2 of 1,614,104 alleles (0.00012%); highest among the groups gnomAD compares: Non-Finnish European, 0.00017%; no homozygotes.

Submissions (5):

Center for Genomic Medicine, Rigshospitalet, Copenhagen University Hospital
Classification: Pathogenic. Last evaluated: 2025-12-29. Review status: criteria provided, single submitter. Criteria: ACMG Guidelines, 2015. Collection method: clinical testing. Allele origin: germline.
Comment: Classification criteria: PP3_moderate, PM2_supporting, PP1_strong

Labcorp Genetics (formerly Invitae), Labcorp
Classification: Uncertain significance for Familial hypocalciuric hypercalcemia; Autosomal dominant hypocalcemia 1. Last evaluated: 2024-05-31. Review status: criteria provided, single submitter. Criteria: Invitae Variant Classification Sherloc (09022015). Collection method: clinical testing. Allele origin: germline.
Comment: This sequence change replaces glycine, which is neutral and non-polar, with arginine, which is basic and polar, at codon 397 of the CASR protein (p.Gly397Arg). This variant is not present in population databases (gnomAD no frequency). This missense change has been observed in individual(s) with familial hypocalciuric hypercalcemia (PMID: 17698911). ClinVar contains an entry for this variant (Variation ID: 420106). An algorithm developed to predict the effect of missense changes on protein structure and function (PolyPhen-2) suggests that this variant is likely to be disruptive. In summary, the available evidence is currently insufficient to determine the role of this variant in disease. Therefore, it has been classified as a Variant of Uncertain Significance.

Fulgent Genetics
Classification: Uncertain significance for Familial hypocalciuric hypercalcemia 1; Neonatal severe primary hyperparathyroidism; Autosomal dominant hypocalcemia 1; Epilepsy, idiopathic generalized, susceptibility to, 8. Last evaluated: 2024-05-23. Review status: criteria provided, single submitter. Criteria: ACMG Guidelines, 2015. Collection method: clinical testing. Allele origin: germline.

GeneDx
Classification: Uncertain significance. Last evaluated: 2016-08-18. Review status: criteria provided, single submitter. Criteria: GeneDx Variant Classification (06012015). Collection method: clinical testing. Allele origin: germline. Affected: yes.
Comment: A variant of uncertain significance has been identified in the CASR gene. The G397R variant has been published previously in association with hypocalciuric hypercalcemia (Nissen et al., 2007; Christensen et al., 2008); however, many individuals who harbor this variant display only a moderate phenotype. The variant was not observed in approximately 6,500 individuals of European and African American ancestry in the NHLBI Exome Sequencing Project, indicating it is not a common benign variant in these populations. The variant is a non-conservative amino acid substitution, which is likely to impact secondary protein structure as these residues differ in polarity, charge, size and/or other properties. This substitution occurs at a position that is conserved across species, and in silico analysis predicts this variant is probably damaging to the protein structure/function. Therefore, based on the currently available information, it is unclear whether this variant is a pathogenic variant or a rare benign variant.

Gharavi Laboratory, Columbia University
Classification: Likely pathogenic. Last evaluated: 2018-09-16. Review status: no assertion criteria provided. Criteria: ACMG Guidelines, 2015. Collection method: research. Allele origin: germline. Affected: yes. Not counted in ClinVar's aggregate classification.

Literature cited by the submitters: PubMed 17698911 (cited by Center for Genomic Medicine, Rigshospitalet, Copenhagen University Hospital and Labcorp Genetics (formerly Invitae), Labcorp).